The following is an entry in ClinVar:

ClinVar aggregate classification (germline): Uncertain significance (1 of 4 stars; one submission).

Conditions:
Inborn genetic diseases. Identifiers: MedGen C0950123, MeSH D030342.

gnomAD v4.1: 1 of 1,612,736 alleles (0.000062%); highest among the groups gnomAD compares: Non-Finnish European, 0.000085%; no homozygotes.

Submission:

Ambry Genetics
Classification: Uncertain significance for Inborn genetic diseases. Last evaluated: 2025-06-22. Review status: criteria provided, single submitter. Criteria: Ambry Variant Classification Scheme 2023. Collection method: clinical testing. Allele origin: germline.
Comment: The p.V450E variant (also known as c.1349T>A), located in coding exon 7 of the RECQL4 gene, results from a T to A substitution at nucleotide position 1349. The valine at codon 450 is replaced by glutamic acid, an amino acid with dissimilar properties. This amino acid position is conserved. In addition, the in silico prediction for this alteration is inconclusive. Based on the available evidence, the clinical significance of this variant remains unclear.

NM_004260.4(RECQL4):c.1349T>A (p.Val450Glu)

Gene: RECQL4 (RecQ like helicase 4; minus strand). Cytogenetic location: 8q24.3.
Variant type: single nucleotide variant.
Coding change: c.1349T>A on transcript NM_004260.4 (MANE Select); coding-DNA position 1349, T replaced by A.
Protein change: p.Val450Glu; replaces valine 450 with glutamic acid.
Molecular consequence: missense variant. On other transcripts: 5 prime UTR variant (1), non-coding transcript variant (3).
Genome position (GRCh38, 1-based): chr8:144,515,367, A>T on the plus strand (T>A on the coding strand, the complement: RECQL4 is on the minus strand). VCF-style: chr8-144515367-A-T. GRCh37 (hg19) VCF-style: chr8-145740751-A-T.
Other names: c.278T>A, p.Val93Glu (NM_001413028.1, NM_001413034.1, NM_001413035.1 and 8 more transcripts); c.998T>A, p.Val333Glu (NM_001413029.1); c.212T>A, p.Val71Glu (NM_001413030.1, NM_001413031.1, NM_001413032.1 and 2 more transcripts); c.1349T>A, p.Val450Glu (NM_001413033.1, NM_001413036.1, NM_001413018.1 and 2 more transcripts); c.1253T>A, p.Val418Glu (NM_001413017.1, NM_001413020.1); c.1220T>A, p.Val407Glu (NM_001413025.1); c.-119T>A (NM_001413043.1); short protein forms V450E, V93E, V333E, V418E, V71E, V407E.
Identifiers: ClinVar variation 4152345 (VCV004152345.1).